The following is an entry in ClinVar:

NM_182914.3(SYNE2):c.12381+3A>G

Gene: SYNE2 (spectrin repeat containing nuclear envelope protein 2; plus strand). Cytogenetic location: 14q23.2.
Variant type: single nucleotide variant.
Coding change: c.12381+3A>G on transcript NM_182914.3 (MANE Select); 3 bases into the intron after coding-DNA position 12381, A replaced by G.
Molecular consequence: intron variant.
Genome position (GRCh38, 1-based): chr14:64,098,824, A>G. VCF-style: chr14-64098824-A-G. GRCh37 (hg19) VCF-style: chr14-64565542-A-G.
Other names: c.12381+3A>G (NM_015180.6).
Identifiers: ClinVar variation 3670644 (VCV003670644.2).

ClinVar aggregate classification (germline): Uncertain significance (1 of 4 stars; one submission).

Conditions:
Emery-Dreifuss muscular dystrophy 5, autosomal dominant (EDMD5). Also called: EMERY-DREIFUSS MUSCULAR DYSTROPHY 5. Identifiers: Orphanet 261, MedGen C2751805, MONDO:0013072, OMIM 612999.

gnomAD v4.1: 1 of 1,613,874 alleles (0.000062%); no homozygotes.

Submission:

Labcorp Genetics (formerly Invitae), Labcorp
Classification: Uncertain significance for Emery-Dreifuss muscular dystrophy 5, autosomal dominant. Last evaluated: 2024-06-10. Review status: criteria provided, single submitter. Criteria: Invitae Variant Classification Sherloc (09022015). Collection method: clinical testing. Allele origin: germline.
Comment: This sequence change falls in intron 63 of the SYNE2 gene. It does not directly change the encoded amino acid sequence of the SYNE2 protein. It affects a nucleotide within the consensus splice site. This variant is present in population databases (no rsID available, gnomAD 0.0009%). This variant has not been reported in the literature in individuals affected with SYNE2-related conditions. Variants that disrupt the consensus splice site are a relatively common cause of aberrant splicing (PMID: 17576681, 9536098). Algorithms developed to predict the effect of sequence changes on RNA splicing suggest that this variant may disrupt the consensus splice site. In summary, the available evidence is currently insufficient to determine the role of this variant in disease. Therefore, it has been classified as a Variant of Uncertain Significance.

Literature cited by the submitters: PubMed 17576681; PubMed 9536098.